The following is an entry in ClinVar:

ClinVar aggregate classification (germline): Uncertain significance (1 of 4 stars; one submission).

Submission:

Women's Health and Genetics/Laboratory Corporation of America, LabCorp
Classification: Uncertain significance. Last evaluated: 2025-06-26. Review status: criteria provided, single submitter. Criteria: LabCorp Variant Classification Summary - May 2015. Collection method: clinical testing. Allele origin: germline.
Comment: Variant summary: ADAMTS2 c.669G>C results in a synonymous change. Several computational tools predict a significant impact on normal splicing: Four predict the variant no significant impact on splicing. One predict the variant strengthens a cryptic 3' acceptor site. Two predict the variant creates a 3' acceptor site. However, these predictions have yet to be confirmed by functional studies. The variant was absent in 247748 control chromosomes. The available data on variant occurrences in the general population are insufficient to allow any conclusion about variant significance. To our knowledge, no occurrence of c.669G>C in individuals affected with Ehlers-Danlos syndrome, dermatosparaxis type and no experimental evidence demonstrating its impact on protein function have been reported. No submitters have cited clinical-significance assessments for this variant to ClinVar. Based on the evidence outlined above, the variant was classified as uncertain significance.

NM_014244.5(ADAMTS2):c.669G>C (p.Gly223=)

Gene: ADAMTS2 (ADAM metallopeptidase with thrombospondin type 1 motif 2; minus strand). Cytogenetic location: 5q35.3.
Variant type: single nucleotide variant.
Coding change: c.669G>C on transcript NM_014244.5 (MANE Select); coding-DNA position 669, G replaced by C.
Protein change: p.Gly223=; no amino-acid change (glycine 223 retained).
Molecular consequence: synonymous variant.
Genome position (GRCh38, 1-based): chr5:179,272,930, C>G on the plus strand (G>C on the coding strand, the complement: ADAMTS2 is on the minus strand). VCF-style: chr5-179272930-C-G. GRCh37 (hg19) VCF-style: chr5-178699931-C-G.
Other names: c.669G>C, p.Gly223= (NM_021599.4).
Identifiers: ClinVar variation 3907527 (VCV003907527.1).